The following is an entry in ClinVar:

NM_130837.3(OPA1):c.2594C>G (p.Ala865Gly)

Gene: OPA1 (OPA1 mitochondrial dynamin like GTPase; plus strand). Cytogenetic location: 3q29.
Variant type: single nucleotide variant.
Coding change: c.2594C>G on transcript NM_130837.3 (MANE Select); coding-DNA position 2594, C replaced by G.
Protein change: p.Ala865Gly; replaces alanine 865 with glycine.
Molecular consequence: missense variant.
Genome position (GRCh38, 1-based): chr3:193,662,895, C>G. VCF-style: chr3-193662895-C-G. GRCh37 (hg19) VCF-style: chr3-193380684-C-G.
Other names: c.2060C>G, p.Ala687Gly (NM_001354663.2); c.2057C>G, p.Ala686Gly (NM_001354664.2); c.2429C>G, p.Ala810Gly (NM_015560.3); c.2321C>G, p.Ala774Gly (NM_130831.3); c.2375C>G, p.Ala792Gly (NM_130832.3); c.2432C>G, p.Ala811Gly (NM_130833.3); c.2483C>G, p.Ala828Gly (NM_130834.3); c.2486C>G, p.Ala829Gly (NM_130835.3); and 1 more; short protein forms A686G, A687G, A774G, A792G, A810G, A811G, A828G, A829G.
Identifiers: ClinVar variation 3250995 (VCV003250995.18), dbSNP rs2475134633.

ClinVar aggregate classification (germline): Uncertain significance (1 of 4 stars; one submission).

Submission:

CeGaT Center for Human Genetics Tuebingen
Classification: Uncertain significance. Last evaluated: 2024-06-01. Review status: criteria provided, single submitter. Criteria: CeGaT Center For Human Genetics Tuebingen Variant Classification Criteria Version 2. Collection method: clinical testing. Allele origin: germline. Affected: yes. Observed: 1 variant allele.
Comment: OPA1: PM2